The following is an entry in ClinVar:

ClinVar aggregate classification (germline): Uncertain significance (1 of 4 stars; one submission).

Conditions:
Primary ciliary dyskinesia. Also called: Ciliary dyskinesia. Identifiers: Orphanet 244, MedGen C0008780, MONDO:0016575, HP:0012265.

Submission:

Labcorp Genetics (formerly Invitae), Labcorp
Classification: Uncertain significance for Primary ciliary dyskinesia. Last evaluated: 2022-06-26. Review status: criteria provided, single submitter. Criteria: Invitae Variant Classification Sherloc (09022015). Collection method: clinical testing. Allele origin: germline.
Comment: In summary, the available evidence is currently insufficient to determine the role of this variant in disease. Therefore, it has been classified as a Variant of Uncertain Significance. Advanced modeling of protein sequence and biophysical properties (such as structural, functional, and spatial information, amino acid conservation, physicochemical variation, residue mobility, and thermodynamic stability) performed at Invitae indicates that this missense variant is not expected to disrupt DNAH5 protein function. This variant has not been reported in the literature in individuals affected with DNAH5-related conditions. This variant is not present in population databases (gnomAD no frequency). This sequence change replaces serine, which is neutral and polar, with asparagine, which is neutral and polar, at codon 1973 of the DNAH5 protein (p.Ser1973Asn).

NM_001369.3(DNAH5):c.5918G>A (p.Ser1973Asn)

Gene: DNAH5 (dynein axonemal heavy chain 5; minus strand). Cytogenetic location: 5p15.2.
Variant type: single nucleotide variant.
Coding change: c.5918G>A on transcript NM_001369.3 (MANE Select); coding-DNA position 5918, G replaced by A.
Protein change: p.Ser1973Asn; replaces serine 1973 with asparagine.
Molecular consequence: missense variant.
Genome position (GRCh38, 1-based): chr5:13,830,740, C>T on the plus strand (G>A on the coding strand, the complement: DNAH5 is on the minus strand). VCF-style: chr5-13830740-C-T. GRCh37 (hg19) VCF-style: chr5-13830849-C-T.
Other names: short protein forms S1973N.
Identifiers: ClinVar variation 2007783 (VCV002007783.4), dbSNP rs2546882379, ClinGen allele CA359202986.
Genomic context (GRCh38, chr5:13,830,740, plus strand): 5'-ATGTCTTTAGTGGTTTCTGTTTTGCCTGTGCCTGCAGGTCCAGCAGGGGCTCCCCCCATG[C>T]TCATTCCCAGAGCTTGAGCCAGCGTGATGTAACATCTGCATGGGTAGAAACATCACTAGA-3'
Protein context (NP_001360.1, residues 1963-1983): YITLAQALGM[Ser1973Asn]MGGAPAGPAG